The following is an entry in ClinVar:

ClinVar aggregate classification (germline): Pathogenic. Review status: criteria provided, multiple submitters, no conflicts (2 of 4 stars). 2 submissions from 2 submitters: Pathogenic (2). Last evaluated 2023-05-19.

Conditions:
Hereditary cancer-predisposing syndrome. Also called: Tumor predisposition; Hereditary Cancer Syndrome; Neoplastic Syndromes, Hereditary; Hereditary neoplastic syndrome. Identifiers: Orphanet 140162, MedGen C0027672, MeSH D009386, MONDO:0015356.
Tumor predisposition syndrome 3 (TPDS3). Also called: Melanoma, cutaneous malignant, susceptibility to, 10; Glioma susceptibility 9; LONG TELOMERE SYNDROME, POT1-RELATED; POT1 Tumor Predisposition. Identifiers: Orphanet 618, MedGen C4014476, MONDO:0014368, OMIM 615848.

Submissions (2):

Labcorp Genetics (formerly Invitae), Labcorp
Classification: Pathogenic for Tumor predisposition syndrome 3. Last evaluated: 2023-05-19. Review status: criteria provided, single submitter. Criteria: Invitae Variant Classification Sherloc (09022015). Collection method: clinical testing. Allele origin: germline.
Comment: ClinVar contains an entry for this variant (Variation ID: 955861). For these reasons, this variant has been classified as Pathogenic. This variant has not been reported in the literature in individuals affected with POT1-related conditions. This variant is not present in population databases (gnomAD no frequency). This sequence change creates a premature translational stop signal (p.Val434*) in the POT1 gene. It is expected to result in an absent or disrupted protein product. Loss-of-function variants in POT1 are known to be pathogenic (PMID: 32155570).

Ambry Genetics
Classification: Pathogenic for Hereditary cancer-predisposing syndrome. Last evaluated: 2022-06-27. Review status: criteria provided, single submitter. Criteria: Ambry Variant Classification Scheme 2023. Collection method: clinical testing. Allele origin: germline.
Comment: The c.1300delG pathogenic mutation, located in coding exon 10 of the POT1 gene, results from a deletion of one nucleotide at nucleotide position 1300, causing a translational frameshift with a predicted alternate stop codon (p.V434*). This alteration is expected to result in loss of function by premature protein truncation or nonsense-mediated mRNA decay. As such, this alteration is interpreted as a disease-causing mutation.

Literature cited by the submitters: PubMed 32155570 (cited by Labcorp Genetics (formerly Invitae), Labcorp).

NM_015450.3(POT1):c.1300del (p.Lys433_Val434insTer)

Gene: POT1 (protection of telomeres 1; minus strand). Cytogenetic location: 7q31.33.
Variant type: Deletion.
Coding change: c.1300del on transcript NM_015450.3 (MANE Select); coding-DNA position 1300, one base deleted (G; older notation c.1300delG).
Protein change: p.Lys433_Val434insTer.
Molecular consequence: nonsense. On other transcripts: non-coding transcript variant (3).
Genome position (GRCh38, 1-based): chr7:124,841,042, C deleted on the plus strand (G on the coding strand, the reverse complement: POT1 is on the minus strand). VCF-style (leftmost placement, unchanged base first): chr7-124841041-AC-A. GRCh37 (hg19) VCF-style: chr7-124481095-AC-A.
Other names: c.907del, p.Lys302_Val303insTer (NM_001042594.2); c.1300delG (NM_015450.2).
Identifiers: ClinVar variation 955861 (VCV000955861.10), dbSNP rs1795015022, ClinGen allele CA1139660245.